The following is an entry in ClinVar:

NM_000059.4(BRCA2):c.1462A>G (p.Ile488Val)

Gene: BRCA2 (BRCA2 DNA repair associated; plus strand). Cytogenetic location: 13q13.1.
Variant type: single nucleotide variant.
Coding change: c.1462A>G on transcript NM_000059.4 (MANE Select); coding-DNA position 1462, A replaced by G.
Protein change: p.Ile488Val; replaces isoleucine 488 with valine.
Molecular consequence: missense variant.
Genome position (GRCh38, 1-based): chr13:32,332,940, A>G. VCF-style: chr13-32332940-A-G. GRCh37 (hg19) VCF-style: chr13-32907077-A-G.
Other names: short protein forms I488V.
Identifiers: ClinVar variation 224457 (VCV000224457.19), dbSNP rs864622352, ClinGen allele CA10575908.
Genomic context (GRCh38, chr13:32,332,940, plus strand): 5'-AGAGATGAAGAGCAGCATCTTGAATCTCATACAGACTGCATTCTTGCAGTAAAGCAGGCA[A>G]TATCTGGAACTTCTCCAGTGGCTTCTTCATTTCAGGGTATCAAAAAGTCTATATTCAGAA-3'
Protein context (NP_000050.3, residues 478-498): TDCILAVKQA[Ile488Val]SGTSPVASSF

ClinVar aggregate classification (germline): Conflicting classifications of pathogenicity. Review status: criteria provided, conflicting classifications (1 of 4 stars). 7 submissions from 7 submitters: Uncertain significance (5); Likely benign (2). Last evaluated 2026-01-21.

Conditions:
Hereditary cancer-predisposing syndrome. Also called: Tumor predisposition; Hereditary neoplastic syndrome; Neoplastic Syndromes, Hereditary; Hereditary Cancer Syndrome. Identifiers: Orphanet 140162, MedGen C0027672, MeSH D009386, MONDO:0015356.
Breast neoplasm. Also called: Neoplasm of breast; Breast tumor; Neoplasm of the breast; Breast Neoplasms. Identifiers: MedGen C1458155, MeSH D001943, MONDO:0021100, HP:0100013. Disease mechanism: gain of function.
Hereditary breast ovarian cancer syndrome. Also called: Hereditary breast and ovarian cancer; BRCA1- and BRCA2-Associated Hereditary Breast and Ovarian Cancer; Hereditary breast and/or ovarian cancer syndrome; Hereditary breast and ovarian cancer syndrome; Hereditary breast and ovarian cancer syndrome (HBOC); Breast and ovarian cancer. Identifiers: Orphanet 145, MedGen C0677776, MeSH D061325, MONDO:0003582. Disease mechanism: loss of function.
Breast-ovarian cancer, familial, susceptibility to, 2 (BROVCA2). Also called: BRCA2 Hereditary Breast and Ovarian Cancer. Identifiers: Orphanet 145, MedGen C2675520, MONDO:0012933, OMIM 612555. Disease mechanism: loss of function.

Allele frequency attached by ClinVar (database versions not stated): gnomAD 0.00001; gnomAD exomes below 0.00001.
gnomAD v4.1: 5 of 1,606,930 alleles (0.00031%); highest among the groups gnomAD compares: Non-Finnish European, 0.00034%; no homozygotes.

Submissions (7):

Women's Health and Genetics/Laboratory Corporation of America, LabCorp
Classification: Uncertain significance. Last evaluated: 2026-01-21. Review status: criteria provided, single submitter. Criteria: LabCorp Variant Classification Summary - May 2015. Collection method: clinical testing. Allele origin: germline.
Comment: Variant summary: BRCA2 c.1462A>G (p.Ile488Val) results in a conservative amino acid change in the encoded protein sequence. Algorithms developed to predict the effect of missense changes on protein structure and function all suggest that this variant is likely to be tolerated. The variant allele was found at a frequency of 4.1e-06 in 243422 control chromosomes. The available data on variant occurrences in the general population are insufficient to allow any conclusion about variant significance. c.1462A>G has been observed in individual(s) affected with clinical features of Hereditary Breast And Ovarian Cancer Syndrome (example, Zhong_2016, Diaz-Zabala_2018, Bhaskaran_2019, Shen_2019) without strong evidence for causality. These report(s) do not provide unequivocal conclusions about association of the variant with BRCA2-related conditions. To our knowledge, no experimental evidence demonstrating an impact on protein function has been reported. The following publications have been ascertained in the context of this evaluation (PMID: 27257965, 30400234, 30702160, 31396961, 35116780, 31825140). ClinVar contains an entry for this variant (Variation ID: 224457). Based on the evidence outlined above, the variant was classified as uncertain significance.

Labcorp Genetics (formerly Invitae), Labcorp
Classification: Uncertain significance for Hereditary breast ovarian cancer syndrome. Last evaluated: 2024-07-28. Review status: criteria provided, single submitter. Criteria: Invitae Variant Classification Sherloc (09022015). Collection method: clinical testing. Allele origin: germline.
Comment: This sequence change replaces isoleucine, which is neutral and non-polar, with valine, which is neutral and non-polar, at codon 488 of the BRCA2 protein (p.Ile488Val). This variant is present in population databases (no rsID available, gnomAD 0.004%). This missense change has been observed in individual(s) with breast cancer (PMID: 27257965). ClinVar contains an entry for this variant (Variation ID: 224457). Advanced modeling of protein sequence and biophysical properties (such as structural, functional, and spatial information, amino acid conservation, physicochemical variation, residue mobility, and thermodynamic stability) performed at Invitae indicates that this missense variant is not expected to disrupt BRCA2 protein function with a negative predictive value of 95%. In summary, the available evidence is currently insufficient to determine the role of this variant in disease. Therefore, it has been classified as a Variant of Uncertain Significance.

St. Jude Molecular Pathology, St. Jude Children's Research Hospital
Classification: Uncertain significance for Breast-ovarian cancer, familial, susceptibility to, 2. Last evaluated: 2023-10-18. Review status: criteria provided, single submitter. Criteria: St. Jude Assertion Criteria 2020. Collection method: clinical testing. Allele origin: germline.
Comment: The BRCA2 c.1462A>G (p.Ile488Val) missense change has a maximum founder subpopulation frequency of 0.004% and a maximum non-founder subpopulation frequency of 0.0007% in gnomAD v2.1.1. The in silico tool REVEL is inconclusive about a pathogenic or benign effect of this variant on protein function, and to our knowledge functional studies have not been performed. This variant has been reported in individuals with breast cancer (PMID: 27257965, 30400234). To our knowledge, this variant has not been reported in individuals with Fanconi anemia. In summary, the evidence currently available is insufficient to determine the clinical significance of this variant. It has therefore been classified as of uncertain significance.

University of Washington Department of Laboratory Medicine, University of Washington
Classification: Likely benign for Hereditary cancer-predisposing syndrome. Last evaluated: 2023-03-23. Review status: criteria provided, single submitter. Criteria: Dines et al. (Genet Med. 2020). Collection method: curation. Allele origin: germline.
Comment: Missense variant in a coldspot region where missense variants are very unlikely to be pathogenic (PMID:31911673).

BRCA2 exon 10 coldspot. Reclassification based on statistical prior probability.

Color Diagnostics, LLC DBA Color Health
Classification: Uncertain significance for Hereditary cancer-predisposing syndrome. Last evaluated: 2019-06-11. Review status: criteria provided, single submitter. Criteria: ACMG Guidelines, 2015. Collection method: clinical testing. Allele origin: germline.

Ambry Genetics
Classification: Likely benign for Hereditary cancer-predisposing syndrome. Last evaluated: 2017-11-28. Review status: criteria provided, single submitter. Criteria: Ambry Variant Classification Scheme 2023. Collection method: clinical testing. Allele origin: germline.

Laboratory of Molecular Diagnosis of Cancer, West China Hospital, Sichuan University
Classification: Uncertain significance for Breast neoplasm. Last evaluated: 2015-11-01. Review status: criteria provided, single submitter. Criteria: ACMG Guidelines, 2015. Collection method: research. Allele origin: germline. Affected: yes. Observed: 1 variant allele.

Literature cited by the submitters: PubMed 27257965 (cited by 3 submitters); PubMed 30702160 (cited by Women's Health and Genetics/Laboratory Corporation of America, LabCorp); PubMed 30400234 (cited by Women's Health and Genetics/Laboratory Corporation of America, LabCorp); PubMed 31825140 (cited by Women's Health and Genetics/Laboratory Corporation of America, LabCorp); PubMed 31396961 (cited by Women's Health and Genetics/Laboratory Corporation of America, LabCorp); PubMed 35116780 (cited by Women's Health and Genetics/Laboratory Corporation of America, LabCorp).